The following is an entry in ClinVar:

NM_015087.5(SPART):c.544C>G (p.His182Asp)

Gene: SPART (spartin; minus strand). Cytogenetic location: 13q13.3.
Variant type: single nucleotide variant.
Coding change: c.544C>G on transcript NM_015087.5 (MANE Select); coding-DNA position 544, C replaced by G.
Protein change: p.His182Asp; replaces histidine 182 with aspartic acid.
Molecular consequence: missense variant.
Genome position (GRCh38, 1-based): chr13:36,335,287, G>C on the plus strand (C>G on the coding strand, the complement: SPART is on the minus strand). VCF-style: chr13-36335287-G-C. GRCh37 (hg19) VCF-style: chr13-36909424-G-C.
Other names: c.544C>G, p.His182Asp (NM_001142294.2, NM_001142295.2, NM_001142296.2); c.544C>G (NM_015087.4); short protein forms H182D.
Identifiers: ClinVar variation 2195681 (VCV002195681.5), dbSNP rs745575019, ClinGen allele CA6949621.

ClinVar aggregate classification (germline): Uncertain significance. Review status: criteria provided, multiple submitters, no conflicts (2 of 4 stars). 2 submissions from 2 submitters: Uncertain significance (2). Last evaluated 2025-09-29.

Conditions:
Inborn genetic diseases. Identifiers: MedGen C0950123, MeSH D030342.

Allele frequency attached by ClinVar (database versions not stated): TOPMed below 0.00001; ExAC 0.00001; gnomAD 0.00001; gnomAD exomes 0.00001.
gnomAD v4.1: 16 of 1,613,970 alleles (0.00099%); highest among the groups gnomAD compares: East Asian, 0.0022%; no homozygotes.

Submissions (2):

Ambry Genetics
Classification: Uncertain significance for Inborn genetic diseases. Last evaluated: 2025-09-29. Review status: criteria provided, single submitter. Criteria: Ambry Variant Classification Scheme 2023. Collection method: clinical testing. Allele origin: germline.

Labcorp Genetics (formerly Invitae), Labcorp
Classification: Uncertain significance. Last evaluated: 2022-07-21. Review status: criteria provided, single submitter. Criteria: Invitae Variant Classification Sherloc (09022015). Collection method: clinical testing. Allele origin: germline.
Comment: In summary, the available evidence is currently insufficient to determine the role of this variant in disease. Therefore, it has been classified as a Variant of Uncertain Significance. Algorithms developed to predict the effect of missense changes on protein structure and function are either unavailable or do not agree on the potential impact of this missense change (SIFT: "Deleterious"; PolyPhen-2: "Probably Damaging"; Align-GVGD: "Class C0"). This variant has not been reported in the literature in individuals affected with SPART-related conditions. This variant is present in population databases (rs745575019, gnomAD 0.002%). This sequence change replaces histidine, which is basic and polar, with aspartic acid, which is acidic and polar, at codon 182 of the SPART protein (p.His182Asp).